The following is an entry in ClinVar:

ClinVar aggregate classification (germline): Uncertain significance. Review status: criteria provided, multiple submitters, no conflicts (2 of 4 stars). 3 submissions from 3 submitters: Uncertain significance (3). Last evaluated 2025-12-11.

Conditions:
Inborn genetic diseases. Identifiers: MedGen C0950123, MeSH D030342.

Allele frequency attached by ClinVar (database versions not stated): ExAC 0.00002; gnomAD 0.00003; TOPMed 0.00003.
gnomAD v4.1: 54 of 1,613,996 alleles (0.0033%); highest among the groups gnomAD compares: South Asian, 0.024%; no homozygotes.

Submissions (3):

Labcorp Genetics (formerly Invitae), Labcorp
Classification: Uncertain significance. Last evaluated: 2025-12-11. Review status: criteria provided, single submitter. Criteria: Invitae Variant Classification Sherloc (09022015). Collection method: clinical testing. Allele origin: germline.
Comment: This sequence change replaces isoleucine, which is neutral and non-polar, with phenylalanine, which is neutral and non-polar, at codon 167 of the C3 protein (p.Ile167Phe). This variant is present in population databases (rs779750426, gnomAD 0.02%). This variant has not been reported in the literature in individuals affected with C3-related conditions. ClinVar contains an entry for this variant (Variation ID: 1915988). Invitae Evidence Modeling of protein sequence and biophysical properties (such as structural, functional, and spatial information, amino acid conservation, physicochemical variation, residue mobility, and thermodynamic stability) indicates that this missense variant is not expected to disrupt C3 protein function with a negative predictive value of 80%. In summary, the available evidence is currently insufficient to determine the role of this variant in disease. Therefore, it has been classified as a Variant of Uncertain Significance.

Ambry Genetics
Classification: Uncertain significance for Inborn genetic diseases. Last evaluated: 2025-08-22. Review status: criteria provided, single submitter. Criteria: Ambry Variant Classification Scheme 2023. Collection method: clinical testing. Allele origin: germline.

Blueprint Genetics
Classification: Uncertain significance. Last evaluated: 2024-05-29. Review status: criteria provided, single submitter. Criteria: ACMG Guidelines, 2015. Collection method: clinical testing. Allele origin: germline.

NM_000064.4(C3):c.499A>T (p.Ile167Phe)

Gene: C3 (complement C3; minus strand). Cytogenetic location: 19p13.3.
Variant type: single nucleotide variant.
Coding change: c.499A>T on transcript NM_000064.4 (MANE Select); coding-DNA position 499, A replaced by T.
Protein change: p.Ile167Phe; replaces isoleucine 167 with phenylalanine.
Molecular consequence: missense variant.
Genome position (GRCh38, 1-based): chr19:6,718,099, T>A on the plus strand (A>T on the coding strand, the complement: C3 is on the minus strand). VCF-style: chr19-6718099-T-A. GRCh37 (hg19) VCF-style: chr19-6718110-T-A.
Other names: short protein forms I167F.
Identifiers: ClinVar variation 1915988 (VCV001915988.7), dbSNP rs779750426, ClinGen allele CA9129806.